The following is an entry in ClinVar:

NM_000548.5(TSC2):c.12A>G (p.Pro4=)

Gene: TSC2 (TSC complex subunit 2; plus strand). Cytogenetic location: 16p13.3.
Variant type: single nucleotide variant.
Coding change: c.12A>G on transcript NM_000548.5 (MANE Select); coding-DNA position 12, A replaced by G.
Protein change: p.Pro4=; no amino-acid change (proline 4 retained).
Molecular consequence: synonymous variant. On other transcripts: 5 prime UTR variant (19), non-coding transcript variant (5), intron variant (6).
Genome position (GRCh38, 1-based): chr16:2,048,627, A>G. VCF-style: chr16-2048627-A-G. GRCh37 (hg19) VCF-style: chr16-2098628-A-G.
Other names: c.12A>G, p.Pro4= (NM_001077183.3, NM_001114382.3, NM_001318827.2 and 13 more transcripts); c.-215A>G (NM_001318831.2, NM_001406682.1, NM_001406684.1 and 2 more transcripts); c.45A>G, p.Pro15= (NM_001318832.2); c.-805A>G (NM_001406680.1, NM_001406683.1, NM_001406687.1); c.-434A>G (NM_001406681.1); c.-1420A>G (NM_001406689.1, NM_001406690.1, NM_001406691.1 and 2 more transcripts); c.-1726A>G (NM_001406693.1); c.-1301A>G (NM_001406694.1, NM_001406695.1); and 4 more.
Identifiers: ClinVar variation 2873020 (VCV002873020.5), dbSNP rs762387565, ClinGen allele CA029201.

ClinVar aggregate classification (germline): Benign/Likely benign. Review status: criteria provided, multiple submitters, no conflicts (2 of 4 stars). 3 submissions from 3 submitters: Benign (2); Likely benign (1). Last evaluated 2025-12-26.

Conditions:
Hereditary cancer-predisposing syndrome. Also called: Tumor predisposition; Neoplastic Syndromes, Hereditary; Hereditary Cancer Syndrome; Hereditary neoplastic syndrome. Identifiers: Orphanet 140162, MedGen C0027672, MeSH D009386, MONDO:0015356.
Tuberous sclerosis 2 (TSC2). Identifiers: Orphanet 805, MedGen C1860707, MONDO:0013199, OMIM 613254.

Allele frequency attached by ClinVar (database versions not stated): gnomAD exomes below 0.00001; ExAC 0.00001.
gnomAD v4.1: 1 of 1,613,940 alleles (0.000062%); highest among the groups gnomAD compares: Admixed American, 0.0017%; no homozygotes.

Submissions (3):

Ambry Genetics
Classification: Likely benign for Hereditary cancer-predisposing syndrome. Last evaluated: 2025-12-26. Review status: criteria provided, single submitter. Criteria: Ambry Variant Classification Scheme 2023. Collection method: clinical testing. Allele origin: germline.

Myriad Genetics, Inc.
Classification: Benign for Tuberous sclerosis 2. Last evaluated: 2025-04-30. Review status: criteria provided, single submitter. Criteria: Myriad Autosomal Dominant, Autosomal Recessive and X-Linked Classification Criteria (2023). Collection method: clinical testing. Allele origin: unknown.
Comment: This variant is considered benign. This variant is a silent/synonymous amino acid change and it is not expected to impact splicing.

Labcorp Genetics (formerly Invitae), Labcorp
Classification: Benign for Tuberous sclerosis 2. Last evaluated: 2024-05-08. Review status: criteria provided, single submitter. Criteria: Invitae Variant Classification Sherloc (09022015). Collection method: clinical testing. Allele origin: germline.